The following is an entry in ClinVar:

ClinVar aggregate classification (germline): Pathogenic. Review status: criteria provided, multiple submitters, no conflicts (2 of 4 stars). 2 submissions from 2 submitters: Pathogenic (2). Last evaluated 2025-04-14.

Conditions:
Hereditary breast ovarian cancer syndrome. Also called: Hereditary breast and ovarian cancer; Hereditary breast and ovarian cancer syndrome (HBOC); Breast and ovarian cancer; Hereditary breast and ovarian cancer syndrome; Hereditary breast and/or ovarian cancer syndrome; BRCA1- and BRCA2-Associated Hereditary Breast and Ovarian Cancer. Identifiers: Orphanet 145, MedGen C0677776, MeSH D061325, MONDO:0003582. Disease mechanism: loss of function.
Hereditary cancer-predisposing syndrome. Also called: Tumor predisposition; Neoplastic Syndromes, Hereditary; Hereditary Cancer Syndrome; Hereditary neoplastic syndrome. Identifiers: Orphanet 140162, MedGen C0027672, MeSH D009386, MONDO:0015356.

Submissions (2):

Ambry Genetics
Classification: Pathogenic for Hereditary cancer-predisposing syndrome. Last evaluated: 2025-04-14. Review status: criteria provided, single submitter. Criteria: Ambry Variant Classification Scheme 2023. Collection method: clinical testing. Allele origin: germline.
Comment: The c.5042dupT pathogenic mutation, located in coding exon 10 of the BRCA2 gene, results from a duplication of T at nucleotide position 5042, causing a translational frameshift with a predicted alternate stop codon (p.S1682Efs*7). This variant is considered to be rare based on population cohorts in the Genome Aggregation Database (gnomAD). This alteration is expected to result in loss of function by premature protein truncation or nonsense-mediated mRNA decay. As such, this alteration is interpreted as a disease-causing mutation.

Labcorp Genetics (formerly Invitae), Labcorp
Classification: Pathogenic for Hereditary breast ovarian cancer syndrome. Last evaluated: 2023-10-04. Review status: criteria provided, single submitter. Criteria: Invitae Variant Classification Sherloc (09022015). Collection method: clinical testing. Allele origin: germline.
Comment: This sequence change creates a premature translational stop signal (p.Ser1682Glufs*7) in the BRCA2 gene. It is expected to result in an absent or disrupted protein product. Loss-of-function variants in BRCA2 are known to be pathogenic (PMID: 20104584). This variant is not present in population databases (gnomAD no frequency). This variant has not been reported in the literature in individuals affected with BRCA2-related conditions. ClinVar contains an entry for this variant (Variation ID: 1455224). For these reasons, this variant has been classified as Pathogenic.

Literature cited by the submitters: PubMed 20104584 (cited by Labcorp Genetics (formerly Invitae), Labcorp).

NM_000059.4(BRCA2):c.5042dup (p.Ser1682fs)

Gene: BRCA2 (BRCA2 DNA repair associated; plus strand). Cytogenetic location: 13q13.1.
Variant type: Duplication.
Coding change: c.5042dup on transcript NM_000059.4 (MANE Select); coding-DNA position 5042, one base duplicated (T; older notation c.5042dupT).
Protein change: p.Ser1682fs; shifts the reading frame from serine 1682.
Molecular consequence: frameshift variant.
Genome position (GRCh38, 1-based): chr13:32,339,397, T duplicated. VCF-style (leftmost placement, unchanged base first): chr13-32339396-G-GT. GRCh37 (hg19) VCF-style: chr13-32913533-G-GT.
Other names: c.5042dupT (NM_000059.3); short protein forms S1682fs.
Identifiers: ClinVar variation 1455224 (VCV001455224.7), dbSNP rs2137513243, ClinGen allele CA2573149314.